The following is an entry in ClinVar:

ClinVar aggregate classification (germline): Likely benign (1 of 4 stars; one submission).

Submission:

CeGaT Center for Human Genetics Tuebingen
Classification: Likely benign. Last evaluated: 2026-07-01. Review status: criteria provided, single submitter. Criteria: CeGaT Center For Human Genetics Tuebingen Variant Classification Criteria Version 2. Collection method: clinical testing. Allele origin: germline. Affected: yes. Observed: 1 variant allele.
Comment: AHNAK2: BP4, BP7

NM_138420.4(AHNAK2):c.8670C>T (p.Ala2890=)

Gene: AHNAK2 (AHNAK nucleoprotein 2; minus strand). Cytogenetic location: 14q32.33.
Variant type: single nucleotide variant.
Coding change: c.8670C>T on transcript NM_138420.4 (MANE Select); coding-DNA position 8670, C replaced by T.
Protein change: p.Ala2890=; no amino-acid change (alanine 2890 retained).
Molecular consequence: synonymous variant.
Genome position (GRCh38, 1-based): chr14:104,946,781, G>A on the plus strand (C>T on the coding strand, the complement: AHNAK2 is on the minus strand). VCF-style: chr14-104946781-G-A. GRCh37 (hg19) VCF-style: chr14-105413118-G-A.
Other names: c.8370C>T, p.Ala2790= (NM_001350929.2).
Identifiers: ClinVar variation 5039051 (VCV005039051.1).